The following is an entry in ClinVar:

NM_000350.3(ABCA4):c.6647C>T (p.Ala2216Val)

Gene: ABCA4 (ATP binding cassette subfamily A member 4; minus strand). Cytogenetic location: 1p22.1.
Variant type: single nucleotide variant.
Coding change: c.6647C>T on transcript NM_000350.3 (MANE Select); coding-DNA position 6647, C replaced by T.
Protein change: p.Ala2216Val; replaces alanine 2216 with valine.
Molecular consequence: missense variant.
Genome position (GRCh38, 1-based): chr1:93,997,943, G>A on the plus strand (C>T on the coding strand, the complement: ABCA4 is on the minus strand). VCF-style: chr1-93997943-G-A. GRCh37 (hg19) VCF-style: chr1-94463499-G-A.
Other names: c.6425C>T, p.Ala2142Val (NM_001425324.1); short protein forms A2216V, A2142V.
Identifiers: ClinVar variation 236149 (VCV000236149.12), dbSNP rs886044763, ClinGen allele CA10602405.

ClinVar aggregate classification (germline): Conflicting classifications of pathogenicity. Review status: criteria provided, conflicting classifications (1 of 4 stars). 5 submissions from 4 submitters: Pathogenic (3); Uncertain significance (1). 1 of the submissions does not count toward it. Last evaluated 2026-01-12.

Conditions:
Retinal dystrophy. Also called: Inherited retinal dystrophy. Identifiers: Orphanet 71862, MedGen C0854723, MeSH D058499, MONDO:0019118, HP:0000556.
Cone-rod dystrophy 3 (CORD3). Identifiers: Orphanet 1872, MedGen C1858806, MONDO:0011395, OMIM 604116.
Age related macular degeneration 2. Also called: MACULOPATHY, AGE-RELATED; MACULAR DEGENERATION, SENILE; MACULOPATHY, AGE-RELATED, 2. Identifiers: MedGen C3495438, MONDO:0007932, OMIM 153800.
Severe early-childhood-onset retinal dystrophy (STGD1). Also called: Stargardt macular dystrophy; Juvenile onset macular degeneration; Stargardt disease 1; STGD; MACULAR DYSTROPHY WITH FLECKS, TYPE 1. Identifiers: Orphanet 364055, Orphanet 827, MedGen C1855465, MeSH D000080362, MONDO:0009549, OMIM 248200.
Retinitis pigmentosa 19 (RP19). Also called: ABCA4-Related Retinitis Pigmentosa. Identifiers: Orphanet 791, MedGen C1866422, MONDO:0011137, OMIM 601718.

Allele frequency attached by ClinVar (database versions not stated): TOPMed 0.00001; gnomAD 0.00002.
gnomAD v4.1: 36 of 1,613,942 alleles (0.0022%); highest among the groups gnomAD compares: African/African-American, 0.0027%; no homozygotes.

Submissions (5):

Labcorp Genetics (formerly Invitae), Labcorp
Classification: Pathogenic. Last evaluated: 2026-01-12. Review status: criteria provided, single submitter. Criteria: Invitae Variant Classification Sherloc (09022015). Collection method: clinical testing. Allele origin: germline.
Comment: This sequence change replaces alanine, which is neutral and non-polar, with valine, which is neutral and non-polar, at codon 2216 of the ABCA4 protein (p.Ala2216Val). This variant is present in population databases (no rsID available, gnomAD 0.003%). This missense change has been observed in individual(s) with Stargardt disease (PMID: 10958763, 28118664, 29925512, 32619608). ClinVar contains an entry for this variant (Variation ID: 236149). Invitae Evidence Modeling of protein sequence and biophysical properties (such as structural, functional, and spatial information, amino acid conservation, physicochemical variation, residue mobility, and thermodynamic stability) indicates that this missense variant is expected to disrupt ABCA4 protein function with a positive predictive value of 95%. For these reasons, this variant has been classified as Pathogenic.

Institute of Human Genetics, Univ. Regensburg, Univ. Regensburg
Classification: Pathogenic for Retinal dystrophy. Last evaluated: 2021-01-01. Review status: criteria provided, single submitter. Criteria: ACMG Guidelines, 2015. Collection method: clinical testing. Allele origin: germline. Affected: yes.

Blueprint Genetics
Classification: Uncertain significance. Last evaluated: 2017-11-03. Review status: criteria provided, single submitter. Criteria: ACMG Guidelines, 2015. Collection method: clinical testing. Allele origin: germline.

Institute of Human Genetics, Univ. Regensburg, Univ. Regensburg
Classification: Pathogenic for Severe early-childhood-onset retinal dystrophy. Last evaluated: 2016-01-01. Review status: criteria provided, single submitter. Criteria: Schulz et al. (Invest Ophthalmol Vis Sci. 2017). Collection method: clinical testing, in vitro. Allele origin: germline, unknown. Affected: yes. Observed: 1 heterozygote. Functional consequence: sequence_variant_affecting_splicing.

Institute of Human Genetics, Clinical Exome/Genome Diagnostics Group, University Hospital Bonn
Classification: Uncertain significance for Age related macular degeneration 2; Cone-rod dystrophy 3; Severe early-childhood-onset retinal dystrophy; Retinitis pigmentosa 19. Last evaluated: 2022-03-07. Review status: flagged submission. Criteria: ACMG Guidelines, 2015. Collection method: clinical testing. Allele origin: germline. Not counted in ClinVar's aggregate classification.
ClinVar note: Reason: Outlier claim with insufficient supporting evidence

Literature cited by the submitters: PubMed 10958763 (cited by Labcorp Genetics (formerly Invitae), Labcorp and Institute of Human Genetics, Univ. Regensburg, Univ. Regensburg); PubMed 28118664 (cited by Labcorp Genetics (formerly Invitae), Labcorp and Institute of Human Genetics, Univ. Regensburg, Univ. Regensburg); PubMed 29925512 (cited by Labcorp Genetics (formerly Invitae), Labcorp and Institute of Human Genetics, Univ. Regensburg, Univ. Regensburg); PubMed 32619608 (cited by Labcorp Genetics (formerly Invitae), Labcorp and Institute of Human Genetics, Univ. Regensburg, Univ. Regensburg); PubMed 31589614 (cited by Institute of Human Genetics, Univ. Regensburg, Univ. Regensburg); PubMed 31964843 (cited by Institute of Human Genetics, Univ. Regensburg, Univ. Regensburg); PubMed 32531858 (cited by Institute of Human Genetics, Univ. Regensburg, Univ. Regensburg); PubMed 35119454 (cited by Institute of Human Genetics, Univ. Regensburg, Univ. Regensburg).